The following is an entry in ClinVar:

NM_024642.5(GALNT12):c.371+7G>T

Gene: GALNT12 (polypeptide N-acetylgalactosaminyltransferase 12; plus strand). Cytogenetic location: 9q22.33.
Variant type: single nucleotide variant.
Coding change: c.371+7G>T on transcript NM_024642.5 (MANE Select); 7 bases into the intron after coding-DNA position 371, G replaced by T.
Molecular consequence: intron variant.
Genome position (GRCh38, 1-based): chr9:98,808,076, G>T. VCF-style: chr9-98808076-G-T. GRCh37 (hg19) VCF-style: chr9-101570358-G-T.
Identifiers: ClinVar variation 4875885 (VCV004875885.1).

ClinVar aggregate classification (germline): Likely benign (1 of 4 stars; one submission).

Conditions:
Colorectal cancer, susceptibility to, 1. Also called: COLORECTAL ADENOMA AND CANCER, SUSCEPTIBILITY TO; COLORECTAL CANCER, SUSCEPTIBILITY TO, ON CHROMOSOME 9. Identifiers: MedGen C1837315, MONDO:0012132, OMIM 608812.

gnomAD v4.1: 2 of 1,566,592 alleles (0.00013%); highest among the groups gnomAD compares: Non-Finnish European, 0.00017%; no homozygotes.

Submission:

Myriad Genetics, Inc.
Classification: Likely benign for Colorectal cancer, susceptibility to, 1. Last evaluated: 2026-04-21. Review status: criteria provided, single submitter. Criteria: Myriad Autosomal Dominant, Autosomal Recessive and X-Linked Classification Criteria (2023). Collection method: clinical testing. Allele origin: unknown.
Comment: This variant is considered likely benign. This variant is intronic and is not expected to impact mRNA splicing.